The following is an entry in ClinVar:

ClinVar aggregate classification (germline): Pathogenic. Review status: criteria provided, multiple submitters, no conflicts (2 of 4 stars). 3 submissions from 3 submitters: Pathogenic (2). 1 of the submissions does not count toward it. Last evaluated 2025-11-13.

Conditions:
Retinal dystrophy. Also called: Inherited retinal dystrophy. Identifiers: Orphanet 71862, MedGen C0854723, MeSH D058499, MONDO:0019118, HP:0000556.
Cone-rod dystrophy 3 (CORD3). Identifiers: Orphanet 1872, MedGen C1858806, MONDO:0011395, OMIM 604116.

Submissions (3):

Labcorp Genetics (formerly Invitae), Labcorp
Classification: Pathogenic. Last evaluated: 2025-11-13. Review status: criteria provided, single submitter. Criteria: Invitae Variant Classification Sherloc (09022015). Collection method: clinical testing. Allele origin: germline.
Comment: This sequence change creates a premature translational stop signal (p.Leu1661*) in the ABCA4 gene. It is expected to result in an absent or disrupted protein product. Loss-of-function variants in ABCA4 are known to be pathogenic (PMID: 10958761, 24938718, 25312043, 26780318). This variant is not present in population databases (gnomAD no frequency). This premature translational stop signal has been observed in individual(s) with ABCA4-related conditions (PMID: 23982839). This variant is also known as c.4978delC. ClinVar contains an entry for this variant (Variation ID: 1447532). Algorithms developed to predict the effect of sequence changes on RNA splicing suggest that this variant may disrupt the consensus splice site. For these reasons, this variant has been classified as Pathogenic.

Victorian Clinical Genetics Services, Murdoch Childrens Research Institute
Classification: Pathogenic for Cone-rod dystrophy 3. Last evaluated: 2020-10-19. Review status: criteria provided, single submitter. Criteria: ACMG Guidelines, 2015. Collection method: clinical testing. Allele origin: germline. Affected: yes.
Comment: Based on the classification scheme VCGS_Germline_v1.3.3, this variant is classified as 5-Pathogenic. Following criteria are met: 0102 - Loss of function is a known mechanism of disease in this gene and is associated with Stargardt disease 1 (MIM#248200). (I) 0106 - This gene is associated with autosomal recessive disease. (I) 0201 - Variant is predicted to cause nonsense-mediated decay (NMD) and loss of protein (premature termination codon is located at least 54 nucleotides upstream of the final exon-exon junction). (SP) 0251 - This variant is heterozygous. (I) 0301 - Variant is absent from gnomAD (both v2 and v3). (SP) 0701 - Other NMD-predicted variants comparable to the one identified in this case have very strong previous evidence for pathogenicity. There are more than 10 NMD-predicted variants along ABCA4 (Decipher). (SP) 0803 - This variant has limited previous evidence of pathogenicity in an unrelated individual. This variant was reported as a compund heterozygous in one individual with ABCA4-related retinal disease (PMID: 23982839). (SP) 1102 - Strong phenotype match for this individual. (SP) 1208 - Inheritance information for this variant is not currently available in this individual. (I) Legend: (SP) - Supporting pathogenic, (I) - Information, (SB) - Supporting benign

Institute of Human Genetics, Univ. Regensburg, Univ. Regensburg
Classification: Pathogenic for Retinal dystrophy. Last evaluated: 2023-01-01. Review status: no assertion criteria provided. Criteria: ACMG Guidelines, 2015. Collection method: clinical testing. Allele origin: germline. Affected: yes. Not counted in ClinVar's aggregate classification.

Literature cited by the submitters: PubMed 10958761 (cited by Labcorp Genetics (formerly Invitae), Labcorp); PubMed 24938718 (cited by Labcorp Genetics (formerly Invitae), Labcorp); PubMed 25312043 (cited by Labcorp Genetics (formerly Invitae), Labcorp); PubMed 26780318 (cited by Labcorp Genetics (formerly Invitae), Labcorp); PubMed 23982839 (cited by Labcorp Genetics (formerly Invitae), Labcorp and Victorian Clinical Genetics Services, Murdoch Childrens Research Institute).

NM_000350.3(ABCA4):c.4981del (p.Pro1660_Leu1661insTer)

Genes: ABCA4 (ATP binding cassette subfamily A member 4; minus strand), LOC126805793 (CDK7 strongly-dependent group 2 enhancer GRCh37_chr1:94486302-94487501; plus strand). Cytogenetic location: 1p22.1.
Variant type: Deletion.
Coding change: c.4981del on transcript NM_000350.3 (MANE Select); coding-DNA position 4981, one base deleted (C; older notation c.4981delC).
Protein change: p.Pro1660_Leu1661insTer.
Molecular consequence: nonsense. On other transcripts: frameshift variant (1).
Genome position (GRCh38, 1-based): chr1:94,021,277, G deleted on the plus strand (C on the coding strand, the reverse complement: ABCA4 is on the minus strand); the first of 4 consecutive G bases (chr1:94,021,277-94,021,280); deleting any one gives the same sequence. VCF-style (leftmost placement, unchanged base first): chr1-94021276-AG-A. GRCh37 (hg19) VCF-style: chr1-94486832-AG-A.
Other names: c.4756delC, p.Leu1587Terfs (NM_001425324.1).
Identifiers: ClinVar variation 1447532 (VCV001447532.12), dbSNP rs2101022823, ClinGen allele CA645372208.
Genomic context (GRCh38, chr1:94,021,276, plus strand): 5'-GAGGCTGGGGCTGTGGTGGCTTACACTGTAATCTCTGAGAGCTGCTCCTTGGTCAGGTTC[AG>A]GGGTTGGCTAATGACGGTGATTCCATACTCCTCGGGGCTCCTGTCCTTAGGCAGGCTGGC-3'